The following is an entry in ClinVar:

NM_018109.4(MTPAP):c.1484T>G (p.Leu495Arg)

Gene: MTPAP (mitochondrial poly(A) polymerase; minus strand). Cytogenetic location: 10p11.23.
Variant type: single nucleotide variant.
Coding change: c.1484T>G on transcript NM_018109.4 (MANE Select); coding-DNA position 1484, T replaced by G.
Protein change: p.Leu495Arg; replaces leucine 495 with arginine.
Molecular consequence: missense variant.
Genome position (GRCh38, 1-based): chr10:30,313,874, A>C on the plus strand (T>G on the coding strand, the complement: MTPAP is on the minus strand). VCF-style: chr10-30313874-A-C. GRCh37 (hg19) VCF-style: chr10-30602803-A-C.
Other names: short protein forms L495R.
Identifiers: ClinVar variation 1326255 (VCV001326255.6), dbSNP rs1356166646, ClinGen allele CA376434665.

ClinVar aggregate classification (germline): Conflicting classifications of pathogenicity. Review status: criteria provided, conflicting classifications (1 of 4 stars). 2 submissions from 2 submitters: Likely pathogenic (1); Uncertain significance (1). Last evaluated 2025-10-15.

Allele frequency attached by ClinVar (database versions not stated): TOPMed 0.00003; gnomAD 0.00005 and 0.00006.
gnomAD v4.1: 13 of 1,614,090 alleles (0.00081%); highest among the groups gnomAD compares: Admixed American, 0.013%; no homozygotes.

Submissions (2):

GeneDx
Classification: Likely pathogenic. Last evaluated: 2025-10-15. Review status: criteria provided, single submitter. Criteria: GeneDx Variant Classification Process June 2021. Collection method: clinical testing. Allele origin: germline. Affected: yes.
Comment: Apparently homozygous in a proband in published literature with spastic diplegia, progressive gait abnormalities, mild learning disabilities, pericardial effusion, episodes of supraventricular tachycardia, precataracts, ligamentous laxity, and primary amenorrhea (PMID: 40499712); Not observed at significant frequency in large population cohorts (gnomAD); In silico analysis supports that this missense variant has a deleterious effect on protein structure/function; This variant is associated with the following publications: (PMID: 40174712, 40499712)

Labcorp Genetics (formerly Invitae), Labcorp
Classification: Uncertain significance. Last evaluated: 2022-01-17. Review status: criteria provided, single submitter. Criteria: Invitae Variant Classification Sherloc (09022015). Collection method: clinical testing. Allele origin: germline.
Comment: This sequence change replaces leucine, which is neutral and non-polar, with arginine, which is basic and polar, at codon 495 of the MTPAP protein (p.Leu495Arg). This variant is present in population databases (no rsID available, gnomAD 0.2%). This variant has not been reported in the literature in individuals affected with MTPAP-related conditions. ClinVar contains an entry for this variant (Variation ID: 1326255). Algorithms developed to predict the effect of missense changes on protein structure and function are either unavailable or do not agree on the potential impact of this missense change (SIFT: "Deleterious"; PolyPhen-2: "Probably Damaging"; Align-GVGD: "Class C0"). In summary, the available evidence is currently insufficient to determine the role of this variant in disease. Therefore, it has been classified as a Variant of Uncertain Significance.